The following is an entry in ClinVar:

NM_015656.2(KIF26A):c.4620C>T (p.Ala1540=)

Gene: KIF26A (kinesin family member 26A; plus strand). Cytogenetic location: 14q32.33.
Variant type: single nucleotide variant.
Coding change: c.4620C>T on transcript NM_015656.2 (MANE Select); coding-DNA position 4620, C replaced by T.
Protein change: p.Ala1540=; no amino-acid change (alanine 1540 retained).
Molecular consequence: synonymous variant.
Genome position (GRCh38, 1-based): chr14:104,177,408, C>T. VCF-style: chr14-104177408-C-T. GRCh37 (hg19) VCF-style: chr14-104643745-C-T.
Identifiers: ClinVar variation 3777851 (VCV003777851.7).
Genomic context (GRCh38, chr14:104,177,408, plus strand): 5'-CTCTGTGACGGGCAGGAGCCCTGGCGGCCCTGTGGCCGGTCCCAGAGCAGCCCCACGGGC[C>T]GGGCCCAGTGTCGGGGCGAAGGCTGGCCGGGGTACCGTCATGGGCACAAAGCAGGCGCTC-3'
Protein context (NP_056471.1, residues 1530-1550): PVAGPRAAPR[Ala1540=]GPSVGAKAGR

ClinVar aggregate classification (germline): Likely benign (1 of 4 stars; one submission).

gnomAD v4.1: 10,171 of 1,500,086 alleles (0.68%); highest among the groups gnomAD compares: Non-Finnish European, 0.78%; 47 homozygotes.

Submission:

CeGaT Center for Human Genetics Tuebingen
Classification: Likely benign. Last evaluated: 2026-04-01. Review status: criteria provided, single submitter. Criteria: CeGaT Center For Human Genetics Tuebingen Variant Classification Criteria Version 2. Collection method: clinical testing. Allele origin: germline. Affected: yes. Observed: 5 variant alleles.
Comment: KIF26A: BP4, BP7, BS2